The following is an entry in ClinVar:

ClinVar aggregate classification (germline): Uncertain significance (1 of 4 stars; one submission).

Conditions:
Cardiovascular phenotype. Identifiers: MedGen CN230736.

Submission:

Ambry Genetics
Classification: Uncertain significance for Cardiovascular phenotype. Last evaluated: 2023-02-11. Review status: criteria provided, single submitter. Criteria: Ambry Variant Classification Scheme 2023. Collection method: clinical testing. Allele origin: germline.
Comment: The p.S65A variant (also known as c.193T>G), located in coding exon 2 of the MYOZ2 gene, results from a T to G substitution at nucleotide position 193. The serine at codon 65 is replaced by alanine, an amino acid with similar properties. This amino acid position is conserved. In addition, this alteration is predicted to be tolerated by in silico analysis. Since supporting evidence is limited at this time, the clinical significance of this alteration remains unclear.

NM_016599.5(MYOZ2):c.193T>G (p.Ser65Ala)

Gene: MYOZ2 (myozenin 2; plus strand). Cytogenetic location: 4q26.
Variant type: single nucleotide variant.
Coding change: c.193T>G on transcript NM_016599.5 (MANE Select); coding-DNA position 193, T replaced by G.
Protein change: p.Ser65Ala; replaces serine 65 with alanine.
Molecular consequence: missense variant.
Genome position (GRCh38, 1-based): chr4:119,150,988, T>G. VCF-style: chr4-119150988-T-G. GRCh37 (hg19) VCF-style: chr4-120072143-T-G.
Other names: short protein forms S65A.
Identifiers: ClinVar variation 2449418 (VCV002449418.2), dbSNP rs2476784294, ClinGen allele CA358203641.